The following is an entry in ClinVar:

NM_001122681.2(SH3BP2):c.*689C>T

Gene: SH3BP2 (SH3 domain binding protein 2; plus strand). Cytogenetic location: 4p16.3.
Variant type: single nucleotide variant.
Coding change: c.*689C>T on transcript NM_001122681.2 (MANE Select); 689 bases downstream of the stop codon, C replaced by T.
Molecular consequence: 3 prime UTR variant.
Genome position (GRCh38, 1-based): chr4:2,834,523, C>T. VCF-style: chr4-2834523-C-T. GRCh37 (hg19) VCF-style: chr4-2836250-C-T.
Other names: c.*689C>T (LRG_1334t1, LRG_1334t2, NM_001145855.2 and 2 more transcripts).
Identifiers: ClinVar variation 348605 (VCV000348605.5), dbSNP rs549653099, ClinGen allele CA10618588.

ClinVar aggregate classification (germline): Benign (1 of 4 stars; one submission).

Conditions:
Fibrous dysplasia of jaw (CRBM). Also called: Cherubism. Identifiers: Orphanet 184, MedGen C0008029, MONDO:0007315, OMIM 118400.

Allele frequency attached by ClinVar (database versions not stated): 1000 Genomes Project 30x 0.00031; gnomAD 0.00034 and 0.00035; 1000 Genomes Project 0.00040; TOPMed 0.00045.

Submission:

Illumina Laboratory Services, Illumina
Classification: Benign for Fibrous dysplasia of jaw. Last evaluated: 2018-01-12. Review status: criteria provided, single submitter. Criteria: ICSL Variant Classification Criteria 13 December 2019. Collection method: clinical testing. Allele origin: germline.
Comment: This variant was observed in the ICSL laboratory as part of a predisposition screen in an ostensibly healthy population. It had not been previously curated by ICSL or reported in the Human Gene Mutation Database (HGMD: prior to June 1st, 2018), and was therefore a candidate for classification through an automated scoring system. Utilizing variant allele frequency, disease prevalence and penetrance estimates, and inheritance mode, an automated score was calculated to assess if this variant is too frequent to cause the disease. Based on the score and internal cut-off values, a variant classified as benign is not then subjected to further curation. The score for this variant resulted in a classification of benign for this disease.